The following is an entry in ClinVar:

NM_205836.3(FBXO38):c.2995C>T (p.Arg999Cys)

Gene: FBXO38 (F-box protein 38; plus strand). Cytogenetic location: 5q32.
Variant type: single nucleotide variant.
Coding change: c.2995C>T on transcript NM_205836.3 (MANE Select); coding-DNA position 2995, C replaced by T.
Protein change: p.Arg999Cys; replaces arginine 999 with cysteine.
Molecular consequence: missense variant.
Genome position (GRCh38, 1-based): chr5:148,438,469, C>T. VCF-style: chr5-148438469-C-T. GRCh37 (hg19) VCF-style: chr5-147818032-C-T.
Other names: c.2260C>T, p.Arg754Cys (NM_001271723.2); c.2770C>T, p.Arg924Cys (NM_030793.5); short protein forms R924C, R754C, R999C.
Identifiers: ClinVar variation 574754 (VCV000574754.10), dbSNP rs760782381, ClinGen allele CA3497637.

ClinVar aggregate classification (germline): Uncertain significance (1 of 4 stars; one submission).

Conditions:
Distal hereditary motor neuropathy type 2. Identifiers: Orphanet 139525, MedGen C3711384, MeSH C580044, MONDO:0015352.

Allele frequency attached by ClinVar (database versions not stated): gnomAD exomes below 0.00001; TOPMed below 0.00001; ExAC 0.00001; gnomAD 0.00001.
gnomAD v4.1: 4 of 1,613,760 alleles (0.00025%); highest among the groups gnomAD compares: East Asian, 0.0022%; no homozygotes.

Submission:

Labcorp Genetics (formerly Invitae), Labcorp
Classification: Uncertain significance for Distal hereditary motor neuropathy type 2. Last evaluated: 2023-01-26. Review status: criteria provided, single submitter. Criteria: Invitae Variant Classification Sherloc (09022015). Collection method: clinical testing. Allele origin: germline.
Comment: In summary, the available evidence is currently insufficient to determine the role of this variant in disease. Therefore, it has been classified as a Variant of Uncertain Significance. Algorithms developed to predict the effect of missense changes on protein structure and function are either unavailable or do not agree on the potential impact of this missense change (SIFT: "Deleterious"; PolyPhen-2: "Probably Damaging"; Align-GVGD: "Class C0"). ClinVar contains an entry for this variant (Variation ID: 574754). This variant has not been reported in the literature in individuals affected with FBXO38-related conditions. This variant is present in population databases (rs760782381, gnomAD 0.002%). This sequence change replaces arginine, which is basic and polar, with cysteine, which is neutral and slightly polar, at codon 924 of the FBXO38 protein (p.Arg924Cys).